The following is an entry in ClinVar:

NM_203486.3(DLL3):c.534C>G (p.Cys178Trp)

Genes: DLL3 (delta like canonical Notch ligand 3; plus strand), LOC130064417 (ATAC-STARR-seq lymphoblastoid silent region 10608; plus strand). Cytogenetic location: 19q13.2.
Variant type: single nucleotide variant.
Coding change: c.534C>G on transcript NM_203486.3 (MANE Select); coding-DNA position 534, C replaced by G.
Protein change: p.Cys178Trp; replaces cysteine 178 with tryptophan.
Molecular consequence: missense variant.
Genome position (GRCh38, 1-based): chr19:39,502,939, C>G. VCF-style: chr19-39502939-C-G. GRCh37 (hg19) VCF-style: chr19-39993579-C-G.
Other names: c.534C>G, p.Cys178Trp (NM_016941.4); short protein forms C178W.
Identifiers: ClinVar variation 3715221 (VCV003715221.2).

ClinVar aggregate classification (germline): Uncertain significance (1 of 4 stars; one submission).

gnomAD v4.1: 24 of 1,440,640 alleles (0.0017%); highest among the groups gnomAD compares: South Asian, 0.0055%; no homozygotes.

Submission:

Labcorp Genetics (formerly Invitae), Labcorp
Classification: Uncertain significance. Last evaluated: 2025-08-18. Review status: criteria provided, single submitter. Criteria: Invitae Variant Classification Sherloc (09022015). Collection method: clinical testing. Allele origin: germline.
Comment: This sequence change replaces cysteine, which is neutral and slightly polar, with tryptophan, which is neutral and slightly polar, at codon 178 of the DLL3 protein (p.Cys178Trp). The frequency data for this variant in the population databases is considered unreliable, as metrics indicate poor data quality at this position in the gnomAD database. This variant has not been reported in the literature in individuals affected with DLL3-related conditions. ClinVar contains an entry for this variant (Variation ID: 3715221). An algorithm developed to predict the effect of missense changes on protein structure and function (PolyPhen-2) suggests that this variant is likely to be disruptive. In summary, the available evidence is currently insufficient to determine the role of this variant in disease. Therefore, it has been classified as a Variant of Uncertain Significance.